The following is an entry in ClinVar:

ClinVar aggregate classification (germline): Uncertain significance (1 of 4 stars; one submission).

Conditions:
Hereditary cancer-predisposing syndrome. Also called: Neoplastic Syndromes, Hereditary; Tumor predisposition; Hereditary Cancer Syndrome; Hereditary neoplastic syndrome. Identifiers: Orphanet 140162, MedGen C0027672, MeSH D009386, MONDO:0015356.

Allele frequency attached by ClinVar (database versions not stated): gnomAD exomes below 0.00001.
gnomAD v4.1: 1 of 1,613,910 alleles (0.000062%); highest among the groups gnomAD compares: Non-Finnish European, 0.000085%; no homozygotes.

Submission:

Ambry Genetics
Classification: Uncertain significance for Hereditary cancer-predisposing syndrome. Last evaluated: 2022-03-01. Review status: criteria provided, single submitter. Criteria: Ambry Variant Classification Scheme 2023. Collection method: clinical testing. Allele origin: germline.
Comment: The p.Y1298H variant (also known as c.3892T>C), located in coding exon 9 of the MSH6 gene, results from a T to C substitution at nucleotide position 3892. The tyrosine at codon 1298 is replaced by histidine, an amino acid with similar properties. This amino acid position is conserved. In addition, this alteration is predicted to be deleterious by in silico analysis. Since supporting evidence is limited at this time, the clinical significance of this alteration remains unclear.

NM_000179.3(MSH6):c.3892T>C (p.Tyr1298His)

Gene: MSH6 (mutS homolog 6; plus strand). Cytogenetic location: 2p16.3.
Variant type: single nucleotide variant.
Coding change: c.3892T>C on transcript NM_000179.3 (MANE Select); coding-DNA position 3892, T replaced by C.
Protein change: p.Tyr1298His; replaces tyrosine 1298 with histidine.
Molecular consequence: missense variant. On other transcripts: synonymous variant (1).
Genome position (GRCh38, 1-based): chr2:47,806,542, T>C. VCF-style: chr2-47806542-T-C. GRCh37 (hg19) VCF-style: chr2-48033681-T-C.
Other names: c.3502T>C, p.Tyr1168His (NM_001281492.2); c.2986T>C, p.Tyr996His (NM_001281493.2, NM_001281494.2, NM_001406823.1 and 6 more transcripts); c.3988T>C, p.Tyr1330His (NM_001406795.1); c.3892T>C, p.Tyr1298His (NM_001406796.1, NM_001406808.1, NM_001406809.1); c.3595T>C, p.Tyr1199His (NM_001406797.1, NM_001406801.1, NM_001406805.1 and 10 more transcripts); c.3718T>C, p.Tyr1240His (NM_001406798.1); c.3367T>C, p.Tyr1123His (NM_001406799.1, NM_001406806.1, NM_001406807.1); c.3879T>C, p.Ala1293= (NM_001406800.1); and 8 more; short protein forms Y1168H, Y1240H, Y1242H, Y776H, Y996H, Y1272H, Y1298H, Y1300H.
Identifiers: ClinVar variation 1735912 (VCV001735912.2), dbSNP rs1572747027, ClinGen allele CA346761401.